The following is an entry in ClinVar:

ClinVar aggregate classification (germline): Uncertain significance. Review status: criteria provided, multiple submitters, no conflicts (2 of 4 stars). 2 submissions from 2 submitters: Uncertain significance (2). Last evaluated 2021-09-01.

Conditions:
Partington syndrome (PRTS). Also called: MENTAL RETARDATION, X-LINKED 36; MENTAL RETARDATION, X-LINKED, SYNDROMIC 1; MENTAL RETARDATION, X-LINKED, WITH DYSTONIC MOVEMENTS, ATAXIA, AND SEIZURES; Mental retardation-dystonic movements-ataxia-seizures syndrome. Identifiers: Orphanet 94083, MedGen C0796250, MONDO:0010654, OMIM 309510.
Corpus callosum agenesis-abnormal genitalia syndrome. Also called: ACC WITH ABNORMAL GENITALIA; PROUD SYNDROME. Identifiers: Orphanet 2508, MedGen C0796124, MONDO:0010224, OMIM 300004.
Developmental and epileptic encephalopathy, 1 (DEE1). Also called: X-linked infantile spasms; West's syndrome; Tonic spasms with clustering, arrest of psychomotor development and hypsarrhythmia on EEG; X-Linked Infantile Spasm Syndrome; OHTAHARA SYNDROME, X-LINKED; Epileptic encephalopathy, early infantile, 1. Identifiers: MedGen C3463992, MONDO:0010632, OMIM 308350. Disease mechanism: loss of function.
Intellectual disability, X-linked, with or without seizures, ARX-related. Also called: Mental retardation, X-linked 52; INTELLECTUAL DEVELOPMENTAL DISORDER, X-LINKED 29; MENTAL RETARDATION, X-LINKED 29; MENTAL RETARDATION, X-LINKED 32; MENTAL RETARDATION, X-LINKED 33; MENTAL RETARDATION, X-LINKED 38. Identifiers: Orphanet 777, MedGen C0796244, MONDO:0010317, OMIM 300419.

Submissions (2):

Labcorp Genetics (formerly Invitae), Labcorp
Classification: Uncertain significance for Developmental and epileptic encephalopathy, 1; Intellectual disability, X-linked, with or without seizures, ARX-related. Last evaluated: 2021-09-01. Review status: criteria provided, single submitter. Criteria: Invitae Variant Classification Sherloc (09022015). Collection method: clinical testing. Allele origin: germline.
Comment: This variant, c.441_455dup, results in the insertion of 5 amino acid(s) to the ARX protein (p.Ala151_Ala155dup), but otherwise preserves the integrity of the reading frame. The frequency data for this variant in the population databases is considered unreliable, as metrics indicate insufficient coverage at this position in the ExAC database. This variant has not been reported in the literature in individuals affected with ARX-related conditions. In summary, the available evidence is currently insufficient to determine the role of this variant in disease. Therefore, it has been classified as a Variant of Uncertain Significance.

GeneDx
Classification: Uncertain significance. Last evaluated: 2017-09-14. Review status: criteria provided, single submitter. Criteria: GeneDx Variant Classification Process June 2021. Collection method: clinical testing. Allele origin: germline. Affected: yes.
Comment: Alanine repeat expansion in the second polyalanine tract of the ARX protein, extending the allele to 17 repeats; Polyalanine repeat expansions of 12 or fewer repeats have been observed in unaffected adult males undergoing testing at GeneDx; Polyalanine repeat expansions of 13-19 repeats have not been previously reported in the literature, to our knowledge (Stenson et al., 2014)

NM_139058.3(ARX):c.441_455dup (p.Ala151_Ala155dup)

Genes: ARX (aristaless related homeobox; minus strand), LOC109610631 (aristaless related homeobox polyalanine expansion region; plus strand). Cytogenetic location: Xp21.3.
Variant type: Duplication.
Coding change: c.441_455dup on transcript NM_139058.3 (MANE Select); coding-DNA positions 441 to 455, 15 bases duplicated (AGCCGCGGCCGCGGC).
Protein change: p.Ala151_Ala155dup.
Molecular consequence: inframe insertion.
Genome position (GRCh38, 1-based): chrX:25,013,540-25,013,554, GCCGCGGCCGCGGCT duplicated on the plus strand (AGCCGCGGCCGCGGC on the coding strand, the reverse complement: ARX is on the minus strand); duplicating any 15 consecutive bases within chrX:25,013,540-25,013,562 gives the same sequence; the c. name uses the placement nearest the transcript's 3' end. VCF-style (leftmost placement, unchanged base first): chrX-25013539-G-GGCCGCGGCCGCGGCT. GRCh37 (hg19) VCF-style: chrX-25031656-G-GGCCGCGGCCGCGGCT.
Other names: c.441_455dup (NM_139058.2); c.441_455dup15 (NM_139058.2).
Identifiers: ClinVar variation 818170 (VCV000818170.11), dbSNP rs750585274, ClinGen allele CA915950796.